The following is an entry in ClinVar:

ClinVar aggregate classification (germline): Benign/Likely benign. Review status: criteria provided, multiple submitters, no conflicts (2 of 4 stars). 2 submissions from 2 submitters: Benign (1); Likely benign (1). Last evaluated 2024-09-13.

Conditions:
Hereditary diffuse gastric adenocarcinoma (HDGC). Also called: DIFFUSE GASTRIC AND LOBULAR BREAST CANCER SYNDROME. Identifiers: Orphanet 26106, MedGen C1708349, MONDO:0007648, OMIM 137215.

Submissions (2):

Myriad Genetics, Inc.
Classification: Benign for Hereditary diffuse gastric adenocarcinoma. Last evaluated: 2024-09-13. Review status: criteria provided, single submitter. Criteria: Myriad Autosomal Dominant, Autosomal Recessive and X-Linked Classification Criteria (2023). Collection method: clinical testing. Allele origin: unknown.
Comment: This variant is considered benign. This variant is a silent/synonymous amino acid change and it is not expected to impact splicing.

Labcorp Genetics (formerly Invitae), Labcorp
Classification: Likely benign for Hereditary diffuse gastric adenocarcinoma. Last evaluated: 2018-07-11. Review status: criteria provided, single submitter. Criteria: Invitae Variant Classification Sherloc (09022015). Collection method: clinical testing. Allele origin: germline.

NM_004360.5(CDH1):c.588A>G (p.Gly196=)

Gene: CDH1 (cadherin 1; plus strand). Cytogenetic location: 16q22.1.
Variant type: single nucleotide variant.
Coding change: c.588A>G on transcript NM_004360.5 (MANE Select); coding-DNA position 588, A replaced by G.
Protein change: p.Gly196=; no amino-acid change (glycine 196 retained).
Molecular consequence: synonymous variant. On other transcripts: 5 prime UTR variant (2).
Genome position (GRCh38, 1-based): chr16:68,808,749, A>G. VCF-style: chr16-68808749-A-G. GRCh37 (hg19) VCF-style: chr16-68842652-A-G.
Other names: c.588A>G, p.Gly196= (NM_001317184.2); c.-1028A>G (NM_001317185.2); c.-1232A>G (NM_001317186.2).
Identifiers: ClinVar variation 762725 (VCV000762725.10), dbSNP rs1597891031, ClinGen allele CA496392371.